The following is an entry in ClinVar:

ClinVar aggregate classification (germline): Uncertain significance (1 of 4 stars; one submission).

Conditions:
Eichsfeld type congenital muscular dystrophy (CMYO3). Also called: MYOPATHY, SEPN1-RELATED; SELENON-related myopathy; Congenital myopathy 3 with rigid spine; Rigid spine muscular dystrophy 1. Identifiers: MedGen C0410180, MONDO:0100100, OMIM 602771.

Submission:

Labcorp Genetics (formerly Invitae), Labcorp
Classification: Uncertain significance for Eichsfeld type congenital muscular dystrophy. Last evaluated: 2021-11-10. Review status: criteria provided, single submitter. Criteria: Invitae Variant Classification Sherloc (09022015). Collection method: clinical testing. Allele origin: germline.
Comment: In summary, the available evidence is currently insufficient to determine the role of this variant in disease. Therefore, it has been classified as a Variant of Uncertain Significance. Advanced modeling of protein sequence and biophysical properties (such as structural, functional, and spatial information, amino acid conservation, physicochemical variation, residue mobility, and thermodynamic stability) performed at Invitae indicates that this missense variant is expected to disrupt SELENON protein function. This variant has not been reported in the literature in individuals affected with SELENON-related conditions. This variant is not present in population databases (gnomAD no frequency). This sequence change replaces valine, which is neutral and non-polar, with alanine, which is neutral and non-polar, at codon 472 of the SELENON protein (p.Val472Ala).

NM_206926.2(SELENON):c.1313T>C (p.Val438Ala)

Gene: SELENON (selenoprotein N; plus strand). Cytogenetic location: 1p36.11.
Variant type: single nucleotide variant.
Coding change: c.1313T>C on transcript NM_206926.2 (MANE Select); coding-DNA position 1313, T replaced by C.
Protein change: p.Val438Ala; replaces valine 438 with alanine.
Molecular consequence: missense variant.
Genome position (GRCh38, 1-based): chr1:25,813,908, T>C. VCF-style: chr1-25813908-T-C. GRCh37 (hg19) VCF-style: chr1-26140399-T-C.
Other names: c.1415T>C, p.Val472Ala (NM_020451.3); short protein forms V472A, V438A.
Identifiers: ClinVar variation 1392486 (VCV001392486.5), dbSNP rs2124454571, ClinGen allele CA339119047.